The following is an entry in ClinVar:

NM_000179.3(MSH6):c.2569_2572del (p.Asp857fs)

Gene: MSH6 (mutS homolog 6; plus strand). Cytogenetic location: 2p16.3.
Variant type: Deletion.
Coding change: c.2569_2572del on transcript NM_000179.3 (MANE Select); coding-DNA positions 2569 to 2572, 4 bases deleted (GATT; older notation c.2569_2572delGATT).
Protein change: p.Asp857fs; shifts the reading frame from aspartic acid 857.
Molecular consequence: frameshift variant.
Genome position (GRCh38, 1-based): chr2:47,800,552-47,800,555, GATT deleted; deleting any 4 consecutive bases within chr2:47,800,549-47,800,555 gives the same sequence; the c. name uses the placement nearest the transcript's 3' end. VCF-style (leftmost placement, unchanged base first): chr2-47800548-TATTG-T. GRCh37 (hg19) VCF-style: chr2-48027687-TATTG-T.
Other names: c.2569_2572delGATT (NM_000179.3, NM_000179.2); c.2179_2182del, p.Asp727fs (NM_001281492.2); c.1663_1666del, p.Asp555fs (NM_001281493.2, NM_001281494.2); short protein forms D727fs, D555fs.
Identifiers: ClinVar variation 89290 (VCV000089290.18), dbSNP rs587779243, ClinGen allele CA010436.

ClinVar aggregate classification (germline): Pathogenic. Review status: reviewed by expert panel (3 of 4 stars). 10 submissions from 9 submitters: Pathogenic (1). 9 of the submissions do not count toward it. Last evaluated 2013-09-05.

Conditions:
Mismatch repair cancer syndrome 3. Identifiers: MedGen C5436807, MONDO:0030841, OMIM 619097.
Hereditary nonpolyposis colorectal neoplasms. Identifiers: MedGen C0009405, MeSH D003123.
Hereditary cancer-predisposing syndrome. Also called: Hereditary Cancer Syndrome; Hereditary neoplastic syndrome; Neoplastic Syndromes, Hereditary; Tumor predisposition. Identifiers: Orphanet 140162, MedGen C0027672, MeSH D009386, MONDO:0015356.
Lynch syndrome. Identifiers: Orphanet 144, MedGen C4552100, MONDO:0005835. Disease mechanism: loss of function.
Lynch syndrome 5 (LYNCH5). Also called: Colorectal cancer, hereditary nonpolyposis, type 5; Hereditary non-polyposis colorectal cancer, type 5. Identifiers: Orphanet 144, MedGen C1833477, MONDO:0013710, OMIM 614350. Disease mechanism: loss of function.
Carcinoma of colon (CRC). Also called: Colon carcinoma; Colonic carcinoma. Identifiers: MedGen C0699790, MONDO:0002032.
Ovarian carcinoma. Identifiers: MedGen C4721610, MONDO:0005140, HP:0025318.

Submissions (10):

International Society for Gastrointestinal Hereditary Tumours (InSiGHT)
Classification: Pathogenic for Lynch Syndrome. Last evaluated: 2013-09-05. Review status: reviewed by expert panel. Criteria: Guidelines v1.9. Collection method: research. Allele origin: germline.
Comment: Coding sequence variation resulting in a stop codon

Classified with v1.9 guidelines

All of Us Research Program, National Institutes of Health
Classification: Pathogenic for Lynch syndrome. Last evaluated: 2023-04-10. Review status: criteria provided, single submitter. Criteria: ACMG Guidelines, 2015. Collection method: clinical testing. Allele origin: germline. Inheritance: Autosomal dominant inheritance. Observed: 1 variant allele, 1 heterozygote. Not counted in ClinVar's aggregate classification.
Comment: This variant deletes 4 nucleotides in exon 4 of the MSH6 gene, creating a frameshift and premature translation stop signal. This variant is expected to result in an absent or non-functional protein product. To our knowledge, this variant has been reported in individuals affected with Lynch Syndrome in the literature (PMID: 20028993). This variant has not been identified in the general population by the Genome Aggregation Database (gnomAD). Loss of MSH6 function is a known mechanism of disease. Based on the available evidence, this variant is classified as Pathogenic.

This study involves interpretation of variants in research participants for the purpose of population health screening. Participant phenotype was not available at the time of variant classification. Additional details can be found in publication PMID: 35346344, PMCID: PMC8962531

Labcorp Genetics (formerly Invitae), Labcorp
Classification: Pathogenic for Hereditary nonpolyposis colorectal neoplasms. Last evaluated: 2023-03-24. Review status: criteria provided, single submitter. Criteria: Invitae Variant Classification Sherloc (09022015). Collection method: clinical testing. Allele origin: germline. Not counted in ClinVar's aggregate classification.
Comment: For these reasons, this variant has been classified as Pathogenic. ClinVar contains an entry for this variant (Variation ID: 89290). This premature translational stop signal has been observed in individual(s) with clinical features of MSH6-related conditions (PMID: 20028993, 26517685). This variant is not present in population databases (gnomAD no frequency). This sequence change creates a premature translational stop signal (p.Asp857Phefs*10) in the MSH6 gene. It is expected to result in an absent or disrupted protein product. Loss-of-function variants in MSH6 are known to be pathogenic (PMID: 18269114, 24362816).

Ambry Genetics
Classification: Pathogenic for Hereditary cancer-predisposing syndrome. Last evaluated: 2023-03-23. Review status: criteria provided, single submitter. Criteria: Ambry Variant Classification Scheme 2023. Collection method: clinical testing. Allele origin: germline. Not counted in ClinVar's aggregate classification.
Comment: The c.2569_2572delGATT pathogenic mutation, located in coding exon 4 of the MSH6 gene, results from a deletion of 4 nucleotides at nucleotide positions 2569 to 2572, causing a translational frameshift with a predicted alternate stop codon (p.D857Ffs*10). Of note, this mutation is also designated as p.D857fs, c.2569_2572del, and p.Asp857Phefs10* in published literature. In addition to the clinical data presented in the literature, this alteration is expected to result in loss of function by premature protein truncation or nonsense-mediated mRNA decay. As such, this alteration is interpreted as a disease-causing mutation.

Color Diagnostics, LLC DBA Color Health
Classification: Pathogenic for Hereditary cancer-predisposing syndrome. Last evaluated: 2022-11-01. Review status: criteria provided, single submitter. Criteria: ACMG Guidelines, 2015. Collection method: clinical testing. Allele origin: germline. Not counted in ClinVar's aggregate classification.
Comment: This variant deletes 4 nucleotides in exon 4 of the MSH6 gene, creating a frameshift and premature translation stop signal. This variant is expected to result in an absent or non-functional protein product. To our knowledge, this variant has been reported in individuals affected with Lynch Syndrome in the literature (PMID: 20028993). This variant has not been identified in the general population by the Genome Aggregation Database (gnomAD). Loss of MSH6 function is a known mechanism of disease. Based on the available evidence, this variant is classified as Pathogenic.

Quest Diagnostics Nichols Institute San Juan Capistrano
Classification: Pathogenic. Last evaluated: 2022-09-26. Review status: criteria provided, single submitter. Criteria: Quest Diagnostics criteria. Collection method: clinical testing. Allele origin: unknown. Not counted in ClinVar's aggregate classification.
Comment: This frameshift variant alters the translational reading frame of the MSH6 mRNA and causes the premature termination of MSH6 protein synthesis. org)). It has not been reported in large, multi-ethnic general populations. In the published literature, the variant has been reported in an individual with endometrial cancer (PMID: 26517685 (2015)). It has also been reported in individuals with colorectal cancer and/or Lynch Syndrome (PMID: 20028993 (2010)). Based on the available information, this variant is classified as pathogenic.

Genetics and Molecular Pathology, SA Pathology
Classification: Pathogenic for Lynch syndrome 5. Last evaluated: 2021-09-02. Review status: criteria provided, single submitter. Criteria: ACMG Guidelines, 2015. Collection method: clinical testing. Allele origin: germline. Affected: yes. Not counted in ClinVar's aggregate classification.

Department of Pathology and Laboratory Medicine, Sinai Health System
Classification: Pathogenic for Mismatch repair cancer syndrome 3. Last evaluated: 2012-03-18. Review status: criteria provided, single submitter. Criteria: ACMG Guidelines, 2015. Collection method: clinical testing. Allele origin: germline. Affected: yes. Not counted in ClinVar's aggregate classification.

Medical Genetics Laboratory, Umraniye Training and Research Hospital, University of Health Sciences
Classification: Pathogenic for Ovarian carcinoma. Last evaluated: 2021-09-11. Review status: no assertion criteria provided. Collection method: clinical testing. Allele origin: germline. Inheritance: Autosomal dominant inheritance. Affected: yes. Observed: 1 heterozygote. Not counted in ClinVar's aggregate classification.

Department of Pathology and Laboratory Medicine, Sinai Health System
Classification: Pathogenic for Carcinoma of colon. Review status: no assertion criteria provided. Collection method: clinical testing. Allele origin: unknown. Affected: yes. Study: The Canadian Open Genetics Repository (COGR). Not counted in ClinVar's aggregate classification.
Comment: The p.Asp857PhefsX10 deletion variant has been previously reported in 2 probands with Lynch syndrome related cancers (Baglietto 2009). This variant is predicted to cause a frameshift, which alters the protein's amino acid sequence beginning at codon 857 and leads to a premature stop codon 10 codons downstream. This alteration is then predicted to lead to a truncated or absent protein product and loss of function. Loss of function variants are an established mechanism of disease for the MSH6 gene in Lynch syndrome. In summary, based on the above information, this variant is classified as pathogenic.

Literature cited by the submitters: PubMed 20028993 (cited by 6 submitters); PubMed 26517685 (cited by 3 submitters); PubMed 18269114 (cited by Labcorp Genetics (formerly Invitae), Labcorp); PubMed 24362816 (cited by Labcorp Genetics (formerly Invitae), Labcorp).